The following is an entry in ClinVar:

ClinVar aggregate classification (germline): Likely pathogenic. Review status: criteria provided, multiple submitters, no conflicts (2 of 4 stars). 2 submissions from 2 submitters: Likely pathogenic (2). Last evaluated 2026-04-05.

Conditions:
Dyskeratosis congenita, autosomal recessive 6 (DKCB6). Identifiers: MedGen C4225356, MONDO:0014600, OMIM 616353.
Pulmonary fibrosis and/or bone marrow failure, Telomere-related, 4. Also called: PULMONARY FIBROSIS AND/OR BONE MARROW FAILURE SYNDROME, TELOMERE-RELATED, 4. Identifiers: Orphanet 2032, MedGen C4225347, MONDO:0014612, OMIM 616371.

Submissions (2):

GeneDx
Classification: Likely pathogenic. Last evaluated: 2026-04-05. Review status: criteria provided, single submitter. Criteria: GeneDx Variant Classification Process June 2021. Collection method: clinical testing. Allele origin: germline.
Comment: Canonical splice site variant predicted to result in a null allele in a gene for which loss of function is a known mechanism of disease; Not observed at significant frequency in large population cohorts (gnomAD); Has not been previously published as pathogenic or benign to our knowledge

Labcorp Genetics (formerly Invitae), Labcorp
Classification: Likely pathogenic for Dyskeratosis congenita, autosomal recessive 6; Pulmonary fibrosis and/or bone marrow failure, Telomere-related, 4. Last evaluated: 2022-08-22. Review status: criteria provided, single submitter. Criteria: Invitae Variant Classification Sherloc (09022015). Collection method: clinical testing. Allele origin: germline.
Comment: Algorithms developed to predict the effect of sequence changes on RNA splicing suggest that this variant may disrupt the consensus splice site. This variant has not been reported in the literature in individuals affected with PARN-related conditions. This variant is not present in population databases (gnomAD no frequency). This sequence change affects a donor splice site in intron 19 of the PARN gene. It is expected to disrupt RNA splicing. Variants that disrupt the donor or acceptor splice site typically lead to a loss of protein function (PMID: 16199547), and loss-of-function variants in PARN are known to be pathogenic (PMID: 9736620, 25848748, 26810774). In summary, the currently available evidence indicates that the variant is pathogenic, but additional data are needed to prove that conclusively. Therefore, this variant has been classified as Likely Pathogenic.

Literature cited by the submitters: PubMed 16199547 (cited by Labcorp Genetics (formerly Invitae), Labcorp); PubMed 9736620 (cited by Labcorp Genetics (formerly Invitae), Labcorp); PubMed 25848748 (cited by Labcorp Genetics (formerly Invitae), Labcorp); PubMed 26810774 (cited by Labcorp Genetics (formerly Invitae), Labcorp).

NM_002582.4(PARN):c.1318+2T>C

Gene: PARN (poly(A)-specific ribonuclease; minus strand). Cytogenetic location: 16p13.12.
Variant type: single nucleotide variant.
Coding change: c.1318+2T>C on transcript NM_002582.4 (MANE Select); the canonical splice donor site of the intron after coding-DNA position 1318, T replaced by C.
Molecular consequence: splice donor variant.
Genome position (GRCh38, 1-based): chr16:14,555,652, A>G on the plus strand (T>C on the coding strand, the complement: PARN is on the minus strand). VCF-style: chr16-14555652-A-G. GRCh37 (hg19) VCF-style: chr16-14649509-A-G.
Other names: c.1135+2T>C (NM_001134477.3); c.1180+2T>C (NM_001242992.2).
Identifiers: ClinVar variation 2135583 (VCV002135583.5), dbSNP rs2507557254, ClinGen allele CA394812738.